The following is an entry in ClinVar:

ClinVar aggregate classification (germline): Uncertain significance (1 of 4 stars; one submission).

Allele frequency attached by ClinVar (database versions not stated): gnomAD exomes 0.00001.
gnomAD v4.1: 12 of 1,613,822 alleles (0.00074%); highest among the groups gnomAD compares: Non-Finnish European, 0.00093%; no homozygotes.

Submission:

CeGaT Center for Human Genetics Tuebingen
Classification: Uncertain significance. Last evaluated: 2024-04-01. Review status: criteria provided, single submitter. Criteria: CeGaT Center For Human Genetics Tuebingen Variant Classification Criteria Version 2. Collection method: clinical testing. Allele origin: germline. Affected: yes. Observed: 1 variant allele.
Comment: GLI3: PM2, BP4

NM_000168.6(GLI3):c.4054T>C (p.Ser1352Pro)

Gene: GLI3 (GLI family zinc finger 3; minus strand). Cytogenetic location: 7p14.1.
Variant type: single nucleotide variant.
Coding change: c.4054T>C on transcript NM_000168.6 (MANE Select); coding-DNA position 4054, T replaced by C.
Protein change: p.Ser1352Pro; replaces serine 1352 with proline.
Molecular consequence: missense variant.
Genome position (GRCh38, 1-based): chr7:41,965,019, A>G on the plus strand (T>C on the coding strand, the complement: GLI3 is on the minus strand). VCF-style: chr7-41965019-A-G. GRCh37 (hg19) VCF-style: chr7-42004617-A-G.
Other names: short protein forms S1352P.
Identifiers: ClinVar variation 3234308 (VCV003234308.20), dbSNP rs2484366805, ClinGen allele CA367315866.